The following is an entry in ClinVar:

ClinVar aggregate classification (germline): Uncertain significance (1 of 4 stars; one submission).

Conditions:
Inborn genetic diseases. Identifiers: MedGen C0950123, MeSH D030342.

gnomAD v4.1: 7 of 1,613,902 alleles (0.00043%); highest among the groups gnomAD compares: African/African-American, 0.0027%; no homozygotes.

Submission:

Ambry Genetics
Classification: Uncertain significance for Inborn genetic diseases. Last evaluated: 2025-04-10. Review status: criteria provided, single submitter. Criteria: Ambry Variant Classification Scheme 2023. Collection method: clinical testing. Allele origin: germline.
Comment: The p.P1610L variant (also known as c.4829C>T), located in coding exon 32 of the ANKRD26 gene, results from a C to T substitution at nucleotide position 4829. The proline at codon 1610 is replaced by leucine, an amino acid with similar properties. This amino acid position is conserved. In addition, this alteration is predicted to be tolerated by in silico analysis. Based on the available evidence, the clinical significance of this variant remains unclear.

NM_014915.3(ANKRD26):c.4829C>T (p.Pro1610Leu)

Gene: ANKRD26 (ankyrin repeat domain containing 26; minus strand). Cytogenetic location: 10p12.1.
Variant type: single nucleotide variant.
Coding change: c.4829C>T on transcript NM_014915.3 (MANE Select); coding-DNA position 4829, C replaced by T.
Protein change: p.Pro1610Leu; replaces proline 1610 with leucine.
Molecular consequence: missense variant.
Genome position (GRCh38, 1-based): chr10:27,013,006, G>A on the plus strand (C>T on the coding strand, the complement: ANKRD26 is on the minus strand). VCF-style: chr10-27013006-G-A. GRCh37 (hg19) VCF-style: chr10-27301935-G-A.
Other names: c.4826C>T, p.Pro1609Leu (NM_001256053.2); short protein forms P1609L, P1610L.
Identifiers: ClinVar variation 3913640 (VCV003913640.1).
Genomic context (GRCh38, chr10:27,013,006, plus strand): 5'-TTTTCTCTTGGAATAAGTTTTCTGTTGAGATCTAAACTATTATTAAGATTTCCCACACAA[G>A]GTGGCTCCATGACTGGCCTGGTAGTGAGAGTGGTGAACAAAGATCTGCTCTGCTGTTTTT-3'
Protein context (NP_055730.2, residues 1600-1620): TLTTRPVMEP[Pro1610Leu]CVGNLNNSLD